The following is an entry in ClinVar:

NM_017739.4(POMGNT1):c.1285-2A>T

Genes: POMGNT1 (protein O-linked mannose N-acetylglucosaminyltransferase 1 (beta 1,2-); minus strand), TSPAN1 (tetraspanin 1; plus strand). Cytogenetic location: 1p34.1.
Variant type: single nucleotide variant.
Coding change: c.1285-2A>T on transcript NM_017739.4 (MANE Select); the canonical splice acceptor site of the intron before coding-DNA position 1285, A replaced by T.
Molecular consequence: splice acceptor variant.
Genome position (GRCh38, 1-based): chr1:46,192,438, T>A on the plus strand (A>T on the coding strand, the complement: POMGNT1 is on the minus strand). VCF-style: chr1-46192438-T-A. GRCh37 (hg19) VCF-style: chr1-46658110-T-A.
Other names: c.1285-2A>T (NM_001243766.2, NM_001438686.1, NM_001438688.1 and 3 more transcripts); c.1219-2A>T (NM_001290129.3, NM_001438691.1, NM_001438692.1); c.856-2A>T (NM_001290130.2).
Identifiers: ClinVar variation 960992 (VCV000960992.8), dbSNP rs386834012, ClinGen allele CA340176071.

ClinVar aggregate classification (germline): Pathogenic (1 of 4 stars; one submission).

Conditions:
Autosomal recessive limb-girdle muscular dystrophy type 2O. Also called: MUSCULAR DYSTROPHY-DYSTROGLYCANOPATHY (LIMB-GIRDLE), TYPE C, 3; MUSCULAR DYSTROPHY-DYSTROGLYCANOPATHY, LIMB-GIRDLE, POMGNT1-RELATED; Limb-Girdle Muscular Dystrophy Type 3C. Identifiers: Orphanet 206564, MedGen C3150417, MONDO:0013161, OMIM 613157.
Muscular dystrophy-dystroglycanopathy (congenital with impaired intellectual development), type B, 3. Also called: Muscular dystrophy-dystroglycanopathy (congenital with intellectual disability), type B3; MUSCULAR DYSTROPHY, CONGENITAL, POMGNT1-RELATED. Identifiers: MedGen C3150412, MONDO:0013155, OMIM 613151.

Submission:

Labcorp Genetics (formerly Invitae), Labcorp
Classification: Pathogenic for Autosomal recessive limb-girdle muscular dystrophy type 2O; Muscular dystrophy-dystroglycanopathy (congenital with impaired intellectual development), type B, 3. Last evaluated: 2022-10-28. Review status: criteria provided, single submitter. Criteria: Invitae Variant Classification Sherloc (09022015). Collection method: clinical testing. Allele origin: germline.
Comment: For these reasons, this variant has been classified as Pathogenic. This sequence change affects an acceptor splice site in intron 15 of the POMGNT1 gene. It is expected to disrupt RNA splicing. Variants that disrupt the donor or acceptor splice site typically lead to a loss of protein function (PMID: 16199547), and loss-of-function variants in POMGNT1 are known to be pathogenic (PMID: 19299310, 20816175, 21447391, 26908613, 27391550). This variant is not present in population databases (gnomAD no frequency). Disruption of this splice site has been observed in individual(s) with congenital muscular dystrophy (PMID: 17030669, 19299310). ClinVar contains an entry for this variant (Variation ID: 960992). Studies have shown that disruption of this splice site is associated with altered splicing resulting in multiple RNA products (PMID: 17030669).

Literature cited by the submitters: PubMed 16199547; PubMed 19299310; PubMed 20816175; PubMed 21447391; PubMed 26908613; PubMed 27391550; PubMed 17030669.